The following is an entry in ClinVar:

NM_000090.4(COL3A1):c.1904C>T (p.Pro635Leu)

Gene: COL3A1 (collagen type III alpha 1 chain; plus strand). Cytogenetic location: 2q32.2.
Variant type: single nucleotide variant.
Coding change: c.1904C>T on transcript NM_000090.4 (MANE Select); coding-DNA position 1904, C replaced by T.
Protein change: p.Pro635Leu; replaces proline 635 with leucine.
Molecular consequence: missense variant.
Genome position (GRCh38, 1-based): chr2:188,997,734, C>T. VCF-style: chr2-188997734-C-T. GRCh37 (hg19) VCF-style: chr2-189862460-C-T.
Other names: short protein forms P635L.
Identifiers: ClinVar variation 1029639 (VCV001029639.7), dbSNP rs902780774, ClinGen allele CA349853782.

ClinVar aggregate classification (germline): Uncertain significance. Review status: criteria provided, multiple submitters, no conflicts (2 of 4 stars). 4 submissions from 4 submitters: Uncertain significance (4). Last evaluated 2025-09-10.

Conditions:
Familial thoracic aortic aneurysm and aortic dissection (TAAD). Also called: Thoracic aortic aneurysms and dissections. Identifiers: Orphanet 91387, MedGen C4707243, MONDO:0019625.
Polymicrogyria with or without vascular-type Ehlers-Danlos syndrome. Identifiers: Orphanet 636941, MedGen C5193040, MONDO:0032688, OMIM 618343.
Ehlers-Danlos syndrome, type 4 (EDSVASC). Also called: Ehlers-Danlos syndrome vascular type; Ehlers Danlos syndrome, ecchymotic type; Ehlers Danlos syndrome, arterial type; Ehlers Danlos syndrome, Sack-Barabas type; Ehlers-Danlos Syndrome Type IV. Identifiers: Orphanet 286, MedGen C0268338, MONDO:0017314, OMIM 130050.

Allele frequency attached by ClinVar (database versions not stated): gnomAD exomes 0.00001.
gnomAD v4.1: 5 of 1,614,000 alleles (0.00031%); highest among the groups gnomAD compares: Non-Finnish European, 0.00042%; no homozygotes.

Submissions (4):

Labcorp Genetics (formerly Invitae), Labcorp
Classification: Uncertain significance for Ehlers-Danlos syndrome, type 4. Last evaluated: 2025-09-10. Review status: criteria provided, single submitter. Criteria: Invitae Variant Classification Sherloc (09022015). Collection method: clinical testing. Allele origin: germline.
Comment: This sequence change replaces proline, which is neutral and non-polar, with leucine, which is neutral and non-polar, at codon 635 of the COL3A1 protein (p.Pro635Leu). This variant is present in population databases (no rsID available, gnomAD 0.002%). This variant has not been reported in the literature in individuals affected with COL3A1-related conditions. ClinVar contains an entry for this variant (Variation ID: 1029639). Invitae Evidence Modeling of protein sequence and biophysical properties (such as structural, functional, and spatial information, amino acid conservation, physicochemical variation, residue mobility, and thermodynamic stability) indicates that this missense variant is not expected to disrupt COL3A1 protein function with a negative predictive value of 95%. In summary, the available evidence is currently insufficient to determine the role of this variant in disease. Therefore, it has been classified as a Variant of Uncertain Significance.

Color Diagnostics, LLC DBA Color Health
Classification: Uncertain significance for Familial thoracic aortic aneurysm and aortic dissection. Last evaluated: 2024-01-19. Review status: criteria provided, single submitter. Criteria: ACMG Guidelines, 2015. Collection method: clinical testing. Allele origin: germline.
Comment: This missense variant replaces proline with leucine at codon 635 of the COL3A1 protein. Computational prediction tool indicates that this variant may have an uncertain impact on protein structure and function. To our knowledge, functional studies have not been reported for this variant. This variant has not been reported in individuals affected with COL3A1-related disorders in the literature. This variant has been identified in 2/251128 chromosomes in the general population by the Genome Aggregation Database (gnomAD). The available evidence is insufficient to determine the role of this variant in disease conclusively. Therefore, this variant is classified as a Variant of Uncertain Significance.

Fulgent Genetics
Classification: Uncertain significance for Ehlers-Danlos syndrome, type 4; Polymicrogyria with or without vascular-type Ehlers-Danlos syndrome. Last evaluated: 2021-09-04. Review status: criteria provided, single submitter. Criteria: ACMG Guidelines, 2015. Collection method: clinical testing. Allele origin: unknown.

Baylor Genetics
Classification: Uncertain significance for Polymicrogyria with or without vascular-type Ehlers-Danlos syndrome. Last evaluated: 2019-10-28. Review status: criteria provided, single submitter. Criteria: ACMG Guidelines, 2015. Collection method: clinical testing. Allele origin: unknown. Affected: yes.
Comment: This variant was determined to be of uncertain significance according to ACMG Guidelines, 2015 [PMID:25741868].